The following is an entry in ClinVar:

NM_001290043.2(TAP2):c.1144-6_1144-5delinsAC

Gene: TAP2 (transporter 2, ATP binding cassette subfamily B member; minus strand). Cytogenetic location: 6p21.32.
Variant type: Indel.
Coding change: c.1144-6_1144-5delinsAC on transcript NM_001290043.2 (MANE Select); 6 bases into the intron before coding-DNA position 1144 through 5 bases into the intron before coding-DNA position 1144, TT replaced by AC.
Molecular consequence: intron variant.
Genome position (GRCh38, 1-based): chr6:32,832,466-32,832,467, AA replaced by GT on the plus strand (TT replaced by AC on the coding strand, the reverse complement: TAP2 is on the minus strand). VCF-style: chr6-32832466-AA-GT. GRCh37 (hg19) VCF-style: chr6-32800243-AA-GT.
Other names: c.1144-6_1144-5delinsAC (NM_000544.3, NM_018833.3).
Identifiers: ClinVar variation 466363 (VCV000466363.15), dbSNP rs386699797, ClinGen allele CA136999564.
Genomic context (GRCh38, chr6:32,832,466, plus strand): 5'-TGCATCTGCTGCAGCCCACAGCTCAGCATCAGCATCTGCACCCCCAAGTGCAGCACCTGG[AA>GT]GAGGAGAAGAAAGAGATGAGGCTGGGAATCTTCCCATTCTTTCCCCCTCTCTGCCTCTAT-3'

ClinVar aggregate classification (germline): Conflicting classifications of pathogenicity. Review status: criteria provided, conflicting classifications (1 of 4 stars). 3 submissions from 3 submitters: Uncertain significance (1); Benign (2). Last evaluated 2026-01-30.

Conditions:
MHC class I deficiency. Identifiers: Orphanet 34592, MedGen C6024714, MONDO:0011476.

Submissions (3):

Women's Health and Genetics/Laboratory Corporation of America, LabCorp
Classification: Benign. Last evaluated: 2026-01-30. Review status: criteria provided, single submitter. Criteria: LabCorp Variant Classification Summary - May 2015. Collection method: clinical testing. Allele origin: germline.
Comment: Variant summary: TAP2 c.1144-6_1144-5delinsAC alters a nucleotide located at a position not widely known to affect splicing. Several computational tools predict a significant impact on normal splicing: Two predict the variant no significant impact on splicing. Two predict the variant weakens a 3' acceptor site. However, these predictions have yet to be confirmed by functional studies. The variant allele was found at a frequency of 0.0051 in 276058 control chromosomes in the gnomAD database, including 13 homozygotes. The observed variant frequency exceeds the estimated maximal expected allele frequency for disease-causing variants in TAP2. To our knowledge, no occurrence of c.1144-6_1144-5delinsAC in individuals affected with TAP2-related conditions and no experimental evidence demonstrating its impact on protein function have been reported. ClinVar contains an entry for this variant (Variation ID: 466363). Based on the evidence outlined above, the variant was classified as benign.

Labcorp Genetics (formerly Invitae), Labcorp
Classification: Benign for MHC class I deficiency 1. Last evaluated: 2026-01-29. Review status: criteria provided, single submitter. Criteria: Invitae Variant Classification Sherloc (09022015). Collection method: clinical testing. Allele origin: germline.

Center for Genomics, Ann and Robert H. Lurie Children's Hospital of Chicago
Classification: Uncertain significance for MHC class I deficiency 1. Last evaluated: 2019-12-12. Review status: criteria provided, single submitter. Criteria: ACMG Guidelines, 2015. Collection method: clinical testing. Allele origin: germline.
Comment: TAP2 NM_000544.3 exon 7 c.1144-6_1144-5delinsAC: This variant has not been reported in the literature and is not present in large control databases. This variant is present in ClinVar (Variation ID:466363). Evolutionary conservation and computational predictive tools for this variant are limited or unavailable. This variant is a deletion and insertion of 2 nucleotides at position 1144-6_1144-5; this variant is an intronic variant; splice prediction tools suggest that this variant may not affect splicing. However, further studies are needed to understand its impact. In summary, data on this variant is insufficient for disease classification. Therefore, the clinical significance of this variant is uncertain.